The following is an entry in ClinVar:

NM_198334.3(GANAB):c.1240C>T (p.Gln414Ter)

Gene: GANAB (glucosidase II alpha subunit; minus strand). Cytogenetic location: 11q12.3.
Variant type: single nucleotide variant.
Coding change: c.1240C>T on transcript NM_198334.3 (MANE Select); coding-DNA position 1240, C replaced by T.
Protein change: p.Gln414Ter; replaces glutamine 414 with a stop codon.
Molecular consequence: nonsense.
Genome position (GRCh38, 1-based): chr11:62,630,747, G>A on the plus strand (C>T on the coding strand, the complement: GANAB is on the minus strand). VCF-style: chr11-62630747-G-A. GRCh37 (hg19) VCF-style: chr11-62398219-G-A.
Other names: c.964C>T, p.Gln322Ter (NM_001278192.2); c.898C>T, p.Gln300Ter (NM_001278193.2); c.949C>T, p.Gln317Ter (NM_001278194.2, NM_001329222.2, NM_001329223.2); c.517C>T, p.Gln173Ter (NM_001329224.2, NM_001329225.2); c.1306C>T, p.Gln436Ter (NM_198335.4); short protein forms Q173*, Q300*, Q317*, Q322*, Q414*, Q436*.
Identifiers: ClinVar variation 3900707 (VCV003900707.5).

ClinVar aggregate classification (germline): Pathogenic/Likely pathogenic. Review status: criteria provided, multiple submitters, no conflicts (2 of 4 stars). 2 submissions from 2 submitters: Pathogenic (1); Likely pathogenic (1). Last evaluated 2026-03-01.

Conditions:
Polycystic kidney disease 3 with or without polycystic liver disease. Also called: Polycystic kidney disease 3; POLYCYSTIC KIDNEY DISEASE, ADULT, TYPE III; Polycystic Kidney and/or Polycystic Liver Disease 3. Identifiers: MedGen C3887964, MONDO:0010916, OMIM 600666.

Submissions (2):

CeGaT Center for Human Genetics Tuebingen
Classification: Pathogenic. Last evaluated: 2026-03-01. Review status: criteria provided, single submitter. Criteria: CeGaT Center For Human Genetics Tuebingen Variant Classification Criteria Version 2. Collection method: clinical testing. Allele origin: germline. Affected: yes. Observed: 1 variant allele.
Comment: GANAB: PVS1, PM2

MVZ Medizinische Genetik Mainz
Classification: Likely pathogenic for Polycystic kidney disease 3 with or without polycystic liver disease. Last evaluated: 2025-04-29. Review status: criteria provided, single submitter. Criteria: UK Practice Guidelines For Variant Classification V4 01 2020. Collection method: clinical testing. Allele origin: germline. Inheritance: Autosomal dominant inheritance. Affected: yes. Observed: 1 variant allele.
Comment: ACMG Criteria: PVS1,PM2_SUP